The following is an entry in ClinVar:

ClinVar aggregate classification (germline): Uncertain significance (1 of 4 stars; one submission).

Conditions:
Hereditary cancer-predisposing syndrome. Also called: Tumor predisposition; Hereditary Cancer Syndrome; Neoplastic Syndromes, Hereditary; Hereditary neoplastic syndrome. Identifiers: Orphanet 140162, MedGen C0027672, MeSH D009386, MONDO:0015356.

Submission:

Ambry Genetics
Classification: Uncertain significance for Hereditary cancer-predisposing syndrome. Last evaluated: 2024-03-12. Review status: criteria provided, single submitter. Criteria: Ambry Variant Classification Scheme 2023. Collection method: clinical testing. Allele origin: germline.
Comment: The p.K93R variant (also known as c.278A>G), located in coding exon 3 of the BRIP1 gene, results from an A to G substitution at nucleotide position 278. The lysine at codon 93 is replaced by arginine, an amino acid with highly similar properties. This amino acid position is well conserved in available vertebrate species. In addition, this alteration is predicted to be tolerated by in silico analysis. Since supporting evidence is limited at this time, the clinical significance of this alteration remains unclear.

NM_032043.3(BRIP1):c.278A>G (p.Lys93Arg)

Gene: BRIP1 (BRCA1 interacting DNA helicase 1; minus strand). Cytogenetic location: 17q23.2.
Variant type: single nucleotide variant.
Coding change: c.278A>G on transcript NM_032043.3 (MANE Select); coding-DNA position 278, A replaced by G.
Protein change: p.Lys93Arg; replaces lysine 93 with arginine.
Molecular consequence: missense variant.
Genome position (GRCh38, 1-based): chr17:61,857,159, T>C on the plus strand (A>G on the coding strand, the complement: BRIP1 is on the minus strand). VCF-style: chr17-61857159-T-C. GRCh37 (hg19) VCF-style: chr17-59934520-T-C.
Other names: short protein forms K93R.
Identifiers: ClinVar variation 821815 (VCV000821815.4), dbSNP rs1603366347, ClinGen allele CA400485471.